The following is an entry in ClinVar:

NM_000384.3(APOB):c.8947T>C (p.Phe2983Leu)

Gene: APOB (apolipoprotein B; minus strand). Cytogenetic location: 2p24.1.
Variant type: single nucleotide variant.
Coding change: c.8947T>C on transcript NM_000384.3 (MANE Select); coding-DNA position 8947, T replaced by C.
Protein change: p.Phe2983Leu; replaces phenylalanine 2983 with leucine.
Molecular consequence: missense variant.
Genome position (GRCh38, 1-based): chr2:21,007,921, A>G on the plus strand (T>C on the coding strand, the complement: APOB is on the minus strand). VCF-style: chr2-21007921-A-G. GRCh37 (hg19) VCF-style: chr2-21230793-A-G.
Other names: short protein forms F2983L.
Identifiers: ClinVar variation 5026974 (VCV005026974.1).

ClinVar aggregate classification (germline): Uncertain significance (1 of 4 stars; one submission).

Conditions:
Cardiovascular phenotype. Identifiers: MedGen CN230736.

Submission:

Ambry Genetics
Classification: Uncertain significance for Cardiovascular phenotype. Last evaluated: 2026-07-01. Review status: criteria provided, single submitter. Criteria: Ambry Variant Classification Scheme 2023. Collection method: clinical testing. Allele origin: germline.
Comment: The p.F2983L variant (also known as c.8947T>C), located in coding exon 26 of the APOB gene, results from a T to C substitution at nucleotide position 8947. The phenylalanine at codon 2983 is replaced by leucine, an amino acid with highly similar properties. This amino acid position is conserved. In addition, this alteration is predicted to be tolerated by in silico analysis. Based on the available evidence, the clinical significance of this variant remains unclear.